The following is an entry in ClinVar:

NM_030957.4(ADAMTS10):c.224G>A (p.Arg75His)

Gene: ADAMTS10 (ADAM metallopeptidase with thrombospondin type 1 motif 10; minus strand). Cytogenetic location: 19p13.2.
Variant type: single nucleotide variant.
Coding change: c.224G>A on transcript NM_030957.4 (MANE Select); coding-DNA position 224, G replaced by A.
Protein change: p.Arg75His; replaces arginine 75 with histidine.
Molecular consequence: missense variant.
Genome position (GRCh38, 1-based): chr19:8,605,223, C>T on the plus strand (G>A on the coding strand, the complement: ADAMTS10 is on the minus strand). VCF-style: chr19-8605223-C-T. GRCh37 (hg19) VCF-style: chr19-8670108-C-T.
Other names: c.224G>A (NM_030957.2); short protein forms R75H.
Identifiers: ClinVar variation 2962099 (VCV002962099.2), dbSNP rs782284290, ClinGen allele CA9160895.

ClinVar aggregate classification (germline): Uncertain significance. Review status: criteria provided, multiple submitters, no conflicts (2 of 4 stars). 2 submissions from 2 submitters: Uncertain significance (2). Last evaluated 2025-08-22.

Conditions:
Inborn genetic diseases. Identifiers: MedGen C0950123, MeSH D030342.

Allele frequency attached by ClinVar (database versions not stated): gnomAD exomes 0.00001; ExAC 0.00002; gnomAD 0.00003; TOPMed 0.00004.
gnomAD v4.1: 19 of 1,613,596 alleles (0.0012%); highest among the groups gnomAD compares: Admixed American, 0.0033%; no homozygotes.

Submissions (2):

Ambry Genetics
Classification: Uncertain significance for Inborn genetic diseases. Last evaluated: 2025-08-22. Review status: criteria provided, single submitter. Criteria: Ambry Variant Classification Scheme 2023. Collection method: clinical testing. Allele origin: germline.

Labcorp Genetics (formerly Invitae), Labcorp
Classification: Uncertain significance. Last evaluated: 2023-10-13. Review status: criteria provided, single submitter. Criteria: Invitae Variant Classification Sherloc (09022015). Collection method: clinical testing. Allele origin: germline.
Comment: This sequence change replaces arginine, which is basic and polar, with histidine, which is basic and polar, at codon 75 of the ADAMTS10 protein (p.Arg75His). This variant is present in population databases (rs782284290, gnomAD 0.006%). This variant has not been reported in the literature in individuals affected with ADAMTS10-related conditions. Algorithms developed to predict the effect of missense changes on protein structure and function output the following: SIFT: "Not Available"; PolyPhen-2: "Benign"; Align-GVGD: "Not Available". The histidine amino acid residue is found in multiple mammalian species, which suggests that this missense change does not adversely affect protein function. In summary, the available evidence is currently insufficient to determine the role of this variant in disease. Therefore, it has been classified as a Variant of Uncertain Significance.